The following is an entry in ClinVar:

ClinVar aggregate classification (germline): Uncertain significance (1 of 4 stars; one submission).

Conditions:
Osteogenesis imperfecta type 13. Also called: OI, TYPE XIII; Osteogenesis imperfecta, type xiii. Identifiers: Orphanet 666, MedGen C3553887, MONDO:0013924, OMIM 614856.

Submission:

Baylor Genetics
Classification: Uncertain significance for Osteogenesis imperfecta type 13. Last evaluated: 2018-02-14. Review status: criteria provided, single submitter. Criteria: ACMG Guidelines, 2015. Collection method: clinical testing. Allele origin: unknown. Affected: yes.
Comment: This variant was determined to be of uncertain significance according to ACMG Guidelines, 2015 [PMID:25741868].

NM_006129.5(BMP1):c.1081A>T (p.Ile361Phe)

Gene: BMP1 (bone morphogenetic protein 1; plus strand). Cytogenetic location: 8p21.3.
Variant type: single nucleotide variant.
Coding change: c.1081A>T on transcript NM_006129.5 (MANE Select); coding-DNA position 1081, A replaced by T.
Protein change: p.Ile361Phe; replaces isoleucine 361 with phenylalanine.
Molecular consequence: missense variant. On other transcripts: non-coding transcript variant (2).
Genome position (GRCh38, 1-based): chr8:22,192,052, A>T. VCF-style: chr8-22192052-A-T. GRCh37 (hg19) VCF-style: chr8-22049565-A-T.
Other names: c.1081A>T, p.Ile361Phe (NM_001199.4); short protein forms I361F.
Identifiers: ClinVar variation 1033072 (VCV001033072.1), dbSNP rs1828947056, ClinGen allele CA370490459.